The following is an entry in ClinVar:

ClinVar aggregate classification (germline): Uncertain significance (1 of 4 stars; one submission).

Conditions:
Cardiovascular phenotype. Identifiers: MedGen CN230736.

gnomAD v4.1: 4 of 1,614,162 alleles (0.00025%); highest among the groups gnomAD compares: Non-Finnish European, 0.00034%; no homozygotes.

Submission:

Ambry Genetics
Classification: Uncertain significance for Cardiovascular phenotype. Last evaluated: 2026-07-20. Review status: criteria provided, single submitter. Criteria: Ambry Variant Classification Scheme 2023. Collection method: clinical testing. Allele origin: germline.
Comment: The c.2542C>A (p.P848T) alteration is located in exon 40 (coding exon 40) of the COL1A2 gene. This alteration results from a C to A substitution at nucleotide position 2542, causing the proline (P) at amino acid position 848 to be replaced by a threonine (T). Based on data from gnomAD, the A allele has an overall frequency of 0.001% (2/251328) total alleles studied. The highest observed frequency was 0.002% (2/113616) of European (non-Finnish) alleles. Based on insufficient or conflicting evidence, the clinical significance of this alteration remains unclear.

NM_000089.4(COL1A2):c.2542C>A (p.Pro848Thr)

Gene: COL1A2 (collagen type I alpha 2 chain; plus strand). Cytogenetic location: 7q21.3.
Variant type: single nucleotide variant.
Coding change: c.2542C>A on transcript NM_000089.4 (MANE Select); coding-DNA position 2542, C replaced by A.
Protein change: p.Pro848Thr; replaces proline 848 with threonine.
Molecular consequence: missense variant.
Genome position (GRCh38, 1-based): chr7:94,423,095, C>A. VCF-style: chr7-94423095-C-A. GRCh37 (hg19) VCF-style: chr7-94052407-C-A.
Other names: short protein forms P848T.
Identifiers: ClinVar variation 4869126 (VCV004869126.2).